The following is an entry in ClinVar:

NM_198428.3(BBS9):c.1833C>T (p.Leu611=)

Gene: BBS9 (Bardet-Biedl syndrome 9; plus strand). Cytogenetic location: 7p14.3.
Variant type: single nucleotide variant.
Coding change: c.1833C>T on transcript NM_198428.3 (MANE Select); coding-DNA position 1833, C replaced by T.
Protein change: p.Leu611=; no amino-acid change (leucine 611 retained).
Molecular consequence: synonymous variant. On other transcripts: non-coding transcript variant (3).
Genome position (GRCh38, 1-based): chr7:33,383,709, C>T. VCF-style: chr7-33383709-C-T. GRCh37 (hg19) VCF-style: chr7-33423321-C-T.
Other names: c.1833C>T (NM_198428.2); c.1728C>T, p.Leu576= (NM_001033604.2); c.1818C>T, p.Leu606= (NM_001033605.2); c.1833C>T, p.Leu611= (NM_001348036.1, NM_001348041.4, NM_001348043.3 and 3 more transcripts); c.1467C>T, p.Leu489= (NM_001348037.3, NM_001348045.3, NM_001348046.3); c.1560C>T, p.Leu520= (NM_001348038.3); c.1455C>T, p.Leu485= (NM_001348039.3); c.1713C>T, p.Leu571= (NM_001348040.3, NM_014451.4); and 2 more.
Identifiers: ClinVar variation 3019179 (VCV003019179.4), dbSNP rs902126821, ClinGen allele CA156731704.

ClinVar aggregate classification (germline): Likely benign. Review status: criteria provided, single submitter (1 of 4 stars). 2 submissions from 2 submitters: Likely benign (1). 1 of the submissions does not count toward it. Last evaluated 2023-05-16.

Conditions:
BBS9-related disorder. Also called: BBS9-related condition.
Bardet-Biedl syndrome (BBS). Identifiers: Orphanet 110, MedGen C0752166, MONDO:0015229.

Allele frequency attached by ClinVar (database versions not stated): TOPMed 0.00001.
gnomAD v4.1: 1 of 1,610,930 alleles (0.000062%); highest among the groups gnomAD compares: Non-Finnish European, 0.000085%; no homozygotes.

Submissions (2):

Labcorp Genetics (formerly Invitae), Labcorp
Classification: Likely benign for Bardet-Biedl syndrome. Last evaluated: 2023-05-16. Review status: criteria provided, single submitter. Criteria: Invitae Variant Classification Sherloc (09022015). Collection method: clinical testing. Allele origin: germline.

PreventionGenetics, part of Exact Sciences
Classification: Likely benign for BBS9-related condition. Last evaluated: 2024-08-19. Review status: no assertion criteria provided. Collection method: clinical testing. Allele origin: germline. Not counted in ClinVar's aggregate classification.
Comment: This variant is classified as likely benign based on ACMG/AMP sequence variant interpretation guidelines (Richards et al. 2015 PMID: 25741868, with internal and published modifications).